The following is an entry in ClinVar:

ClinVar aggregate classification (germline): Uncertain significance (1 of 4 stars; one submission).

Allele frequency attached by ClinVar (database versions not stated): gnomAD exomes 0.00001; ExAC 0.00003.
gnomAD v4.1: 5 of 1,614,162 alleles (0.00031%); highest among the groups gnomAD compares: Non-Finnish European, 0.00042%; no homozygotes.

Submission:

Labcorp Genetics (formerly Invitae), Labcorp
Classification: Uncertain significance. Last evaluated: 2025-03-17. Review status: criteria provided, single submitter. Criteria: Invitae Variant Classification Sherloc (09022015). Collection method: clinical testing. Allele origin: germline.
Comment: This sequence change replaces serine, which is neutral and polar, with arginine, which is basic and polar, at codon 1407 of the ERCC6 protein (p.Ser1407Arg). This variant is present in population databases (rs755243867, gnomAD 0.004%). This variant has not been reported in the literature in individuals affected with ERCC6-related conditions. ClinVar contains an entry for this variant (Variation ID: 2413788). An algorithm developed to predict the effect of missense changes on protein structure and function (PolyPhen-2) suggests that this variant is likely to be tolerated. In summary, the available evidence is currently insufficient to determine the role of this variant in disease. Therefore, it has been classified as a Variant of Uncertain Significance.

NM_000124.4(ERCC6):c.4221T>G (p.Ser1407Arg)

Gene: ERCC6 (ERCC excision repair 6, chromatin remodeling factor; minus strand). Cytogenetic location: 10q11.23.
Variant type: single nucleotide variant.
Coding change: c.4221T>G on transcript NM_000124.4 (MANE Select); coding-DNA position 4221, T replaced by G.
Protein change: p.Ser1407Arg; replaces serine 1407 with arginine.
Molecular consequence: missense variant.
Genome position (GRCh38, 1-based): chr10:49,459,076, A>C on the plus strand (T>G on the coding strand, the complement: ERCC6 is on the minus strand). VCF-style: chr10-49459076-A-C. GRCh37 (hg19) VCF-style: chr10-50667122-A-C.
Other names: c.4221T>G, p.Ser1407Arg (NM_001346440.2); short protein forms S1407R.
Identifiers: ClinVar variation 2413788 (VCV002413788.4), dbSNP rs755243867, ClinGen allele CA5495151.